The following is an entry in ClinVar:

ClinVar aggregate classification (germline): Conflicting classifications of pathogenicity. Review status: criteria provided, conflicting classifications (1 of 4 stars). 4 submissions from 4 submitters: Uncertain significance (3); Likely benign (1). Last evaluated 2025-12-03.

Conditions:
Hereditary cancer-predisposing syndrome. Also called: Neoplastic Syndromes, Hereditary; Tumor predisposition; Hereditary Cancer Syndrome; Hereditary neoplastic syndrome. Identifiers: Orphanet 140162, MedGen C0027672, MeSH D009386, MONDO:0015356.
Malignant tumor of urinary bladder. Also called: Bladder cancer; Urinary bladder cancer; Urinary Bladder Neoplasms. Identifiers: MedGen C0005684, MONDO:0001187, OMIM 109800.
Retinoblastoma (RB1). Also called: RETINOBLASTOMA, SOMATIC. Identifiers: Orphanet 790, MedGen C0035335, MeSH D012175, MONDO:0008380, OMIM 180200, HP:0009919. Disease mechanism: loss of function. Inheritance: Both sporadic and heritable forms are tested..

Allele frequency attached by ClinVar (database versions not stated): gnomAD exomes below 0.00001 and 0.00001.
gnomAD v4.1: 8 of 1,613,444 alleles (0.0005%); highest among the groups gnomAD compares: Non-Finnish European, 0.00068%; no homozygotes.

Submissions (4):

Ambry Genetics
Classification: Uncertain significance for Hereditary cancer-predisposing syndrome. Last evaluated: 2025-12-03. Review status: criteria provided, single submitter. Criteria: Ambry Variant Classification Scheme 2023. Collection method: clinical testing. Allele origin: germline.
Comment: The p.E365Q variant (also known as c.1093G>C), located in coding exon 11 of the RB1 gene, results from a G to C substitution at nucleotide position 1093. The glutamic acid at codon 365 is replaced by glutamine, an amino acid with highly similar properties. This amino acid position is highly conserved in available vertebrate species. In addition, the in silico prediction for this alteration is inconclusive. Since supporting evidence is limited at this time, the clinical significance of this alteration remains unclear.

Labcorp Genetics (formerly Invitae), Labcorp
Classification: Likely benign for Retinoblastoma. Last evaluated: 2025-07-04. Review status: criteria provided, single submitter. Criteria: Invitae Variant Classification Sherloc (09022015). Collection method: clinical testing. Allele origin: germline.

All of Us Research Program, National Institutes of Health
Classification: Uncertain significance for Retinoblastoma. Last evaluated: 2024-04-16. Review status: criteria provided, single submitter. Criteria: ACMG Guidelines, 2015. Collection method: clinical testing. Allele origin: germline. Inheritance: Autosomal dominant inheritance. Observed: 1 variant allele, 1 heterozygote.
Comment: This missense variant replaces glutamic acid with glutamine at codon 365 of the RB1 protein. Computational prediction suggests that this variant may not impact protein structure and function (internally defined REVEL score threshold <= 0.5, PMID: 27666373). To our knowledge, functional studies have not been reported for this variant. This variant has not been reported in individuals affected with RB1-related disorders in the literature. This variant has been identified in 1/251258 chromosomes in the general population by the Genome Aggregation Database (gnomAD). The available evidence is insufficient to determine the role of this variant in disease conclusively. Therefore, this variant is classified as a Variant of Uncertain Significance.

This study involves interpretation of variants in research participants for the purpose of population health screening. Participant phenotype was not available at the time of variant classification. Additional details can be found in publication PMID: 35346344, PMCID: PMC8962531

Baylor Genetics
Classification: Uncertain significance for Malignant tumor of urinary bladder. Last evaluated: 2023-06-02. Review status: criteria provided, single submitter. Criteria: ACMG Guidelines, 2015. Collection method: clinical testing. Allele origin: unknown.

NM_000321.3(RB1):c.1093G>C (p.Glu365Gln)

Gene: RB1 (RB transcriptional corepressor 1; plus strand). Cytogenetic location: 13q14.2.
Variant type: single nucleotide variant.
Coding change: c.1093G>C on transcript NM_000321.3 (MANE Select); coding-DNA position 1093, G replaced by C.
Protein change: p.Glu365Gln; replaces glutamic acid 365 with glutamine.
Molecular consequence: missense variant.
Genome position (GRCh38, 1-based): chr13:48,368,570, G>C. VCF-style: chr13-48368570-G-C. GRCh37 (hg19) VCF-style: chr13-48942706-G-C.
Other names: short protein forms E365Q.
Identifiers: ClinVar variation 527932 (VCV000527932.17), dbSNP rs1270702085, ClinGen allele CA388161247.